The following is an entry in ClinVar:

NM_000384.3(APOB):c.8957T>C (p.Leu2986Pro)

Gene: APOB (apolipoprotein B; minus strand). Cytogenetic location: 2p24.1.
Variant type: single nucleotide variant.
Coding change: c.8957T>C on transcript NM_000384.3 (MANE Select); coding-DNA position 8957, T replaced by C.
Protein change: p.Leu2986Pro; replaces leucine 2986 with proline.
Molecular consequence: missense variant.
Genome position (GRCh38, 1-based): chr2:21,007,911, A>G on the plus strand (T>C on the coding strand, the complement: APOB is on the minus strand). VCF-style: chr2-21007911-A-G. GRCh37 (hg19) VCF-style: chr2-21230783-A-G.
Other names: short protein forms L2986P.
Identifiers: ClinVar variation 5009666 (VCV005009666.1).

ClinVar aggregate classification (germline): Uncertain significance (1 of 4 stars; one submission).

Submission:

GeneDx
Classification: Uncertain significance. Last evaluated: 2026-02-20. Review status: criteria provided, single submitter. Criteria: GeneDx Variant Classification Process June 2021. Collection method: clinical testing. Allele origin: germline.
Comment: Not observed at significant frequency in large population cohorts (gnomAD); In silico analysis supports that this missense variant has a deleterious effect on protein structure/function; Has not been previously published as pathogenic or benign to our knowledge